The following is an entry in ClinVar:

NM_000277.3(PAH):c.578C>T (p.Thr193Ile)

Gene: PAH (phenylalanine hydroxylase; minus strand). Cytogenetic location: 12q23.2.
Variant type: single nucleotide variant.
Coding change: c.578C>T on transcript NM_000277.3 (MANE Select); coding-DNA position 578, C replaced by T.
Protein change: p.Thr193Ile; replaces threonine 193 with isoleucine.
Molecular consequence: missense variant.
Genome position (GRCh38, 1-based): chr12:102,855,264, G>A on the plus strand (C>T on the coding strand, the complement: PAH is on the minus strand). VCF-style: chr12-102855264-G-A. GRCh37 (hg19) VCF-style: chr12-103249042-G-A.
Other names: c.578C>T, p.Thr193Ile (NM_001354304.2); short protein forms T193I.
Identifiers: ClinVar variation 2677441 (VCV002677441.6), dbSNP rs2499626242, ClinGen allele CA16020819.
Genomic context (GRCh38, chr12:102,855,264, plus strand): 5'-AGAAGTGGAAAAATGTGATTGTACTCATAGCAAGCATGGGTTTTATACAAGGACTTCAGA[G>A]TCTTGAACACTGTGCCCCATGTTTTCTTTTCTTCCTCCATGTATTCCACTCGAGGGATGG-3'
Protein context (NP_000268.1, residues 183-203): EKKTWGTVFK[Thr193Ile]LKSLYKTHAC

ClinVar aggregate classification (germline): Conflicting classifications of pathogenicity. Review status: criteria provided, conflicting classifications (1 of 4 stars). 2 submissions from 2 submitters: Pathogenic (1); Uncertain significance (1). Last evaluated 2026-02-05.

Conditions:
Phenylketonuria (PKU). Also called: Phenylketonurias; FOLLING DISEASE; OLIGOPHRENIA PHENYLPYRUVICA; Phenylketonuria (PKU). Identifiers: Orphanet 716, MedGen C0031485, MONDO:0009861, OMIM 261600. Disease mechanism: loss of function.

Allele frequency attached by ClinVar (database versions not stated): gnomAD exomes 0.00001.

Submissions (2):

Women's Health and Genetics/Laboratory Corporation of America, LabCorp
Classification: Pathogenic for Phenylketonuria. Last evaluated: 2026-02-05. Review status: criteria provided, single submitter. Criteria: LabCorp Variant Classification Summary - May 2015. Collection method: clinical testing. Allele origin: germline.
Comment: Variant summary: PAH c.578C>T (p.Thr193Ile) results in a non-conservative amino acid change in the encoded protein sequence. Algorithms developed to predict the effect of missense changes on protein structure and function all suggest that this variant is likely to be disruptive. The variant was absent in 251346 control chromosomes (gnomAD). c.578C>T has been observed in multiple individuals affected with Phenylalanine Hydroxylase Deficiency (Phenylketonuria) (Fiori_2005, Anjema_2013, Hillert_2020). These data indicate that the variant is very likely to be associated with disease. To our knowledge, no experimental evidence demonstrating an impact on protein function has been reported. The following publications have been ascertained in the context of this evaluation (PMID: 23842451, 16198137, 32668217, 23690520, 17935162). ClinVar contains an entry for this variant (Variation ID: 2677441). Based on the evidence outlined above, the variant was classified as pathogenic.

Juno Genomics, Hangzhou Juno Genomics, Inc
Classification: Uncertain significance for Phenylketonuria. Review status: criteria provided, single submitter. Criteria: ACMG Guidelines, 2015. Collection method: clinical testing. Allele origin: germline. Affected: yes.
Comment: Absent from controls (or at extremely low frequency if recessive) in Genome Aggregation Database, Exome Sequencing Project, 1000 Genomes Project, or Exome Aggregation Consortium.;For recessive disorders, detected in trans with a pathogenic variant.;Patient's phenotype or family history is highly specific for a disease with a single genetic etiology.

Literature cited by the submitters: PubMed 17935162 (cited by Women's Health and Genetics/Laboratory Corporation of America, LabCorp); PubMed 16198137 (cited by Women's Health and Genetics/Laboratory Corporation of America, LabCorp); PubMed 23842451 (cited by Women's Health and Genetics/Laboratory Corporation of America, LabCorp); PubMed 23690520 (cited by Women's Health and Genetics/Laboratory Corporation of America, LabCorp); PubMed 32668217 (cited by Women's Health and Genetics/Laboratory Corporation of America, LabCorp).